The following is an entry in ClinVar:

NM_000152.5(GAA):c.1625C>T (p.Pro542Leu)

Gene: GAA (alpha glucosidase; plus strand). Cytogenetic location: 17q25.3.
Variant type: single nucleotide variant.
Coding change: c.1625C>T on transcript NM_000152.5 (MANE Select); coding-DNA position 1625, C replaced by T.
Protein change: p.Pro542Leu; replaces proline 542 with leucine.
Molecular consequence: missense variant.
Genome position (GRCh38, 1-based): chr17:80,111,014, C>T. VCF-style: chr17-80111014-C-T. GRCh37 (hg19) VCF-style: chr17-78084813-C-T.
Other names: c.1625C>T (LRG_673t1); c.1625C>T, p.Pro542Leu (NM_001079803.3, NM_001079804.3); short protein forms P542L.
Identifiers: ClinVar variation 643087 (VCV000643087.9), dbSNP rs1598582130, ClinGen allele CA401367352.

ClinVar aggregate classification (germline): Uncertain significance (1 of 4 stars; one submission).

Conditions:
Glycogen storage disease, type II (IOPD). Also called: Glucosidase acid-1,4-alpha deficiency; CARDIOMEGALIA GLYCOGENICA DIFFUSA; GLYCOGENOSIS, GENERALIZED, CARDIAC FORM; GSD II; POMPE DISEASE, INFANTILE-ONSET; GLYCOGEN STORAGE DISEASE II, INFANTILE-ONSET. Identifiers: Orphanet 365, MedGen C0017921, MONDO:0009290, OMIM 232300.

Allele frequency attached by ClinVar (database versions not stated): gnomAD exomes below 0.00001.
gnomAD v4.1: 3 of 1,613,856 alleles (0.00019%); highest among the groups gnomAD compares: South Asian, 0.0011%; no homozygotes.

Submission:

Labcorp Genetics (formerly Invitae), Labcorp
Classification: Uncertain significance for Glycogen storage disease, type II. Last evaluated: 2024-11-04. Review status: criteria provided, single submitter. Criteria: Invitae Variant Classification Sherloc (09022015). Collection method: clinical testing. Allele origin: germline.
Comment: This sequence change replaces proline, which is neutral and non-polar, with leucine, which is neutral and non-polar, at codon 542 of the GAA protein (p.Pro542Leu). This variant is not present in population databases (gnomAD no frequency). This variant has not been reported in the literature in individuals affected with GAA-related conditions. ClinVar contains an entry for this variant (Variation ID: 643087). Invitae Evidence Modeling of protein sequence and biophysical properties (such as structural, functional, and spatial information, amino acid conservation, physicochemical variation, residue mobility, and thermodynamic stability) indicates that this missense variant is expected to disrupt GAA protein function with a positive predictive value of 95%. In summary, the available evidence is currently insufficient to determine the role of this variant in disease. Therefore, it has been classified as a Variant of Uncertain Significance.